The following is an entry in ClinVar:

ClinVar aggregate classification (germline): Uncertain significance (1 of 4 stars; one submission).

Submission:

GeneDx
Classification: Uncertain significance. Last evaluated: 2022-07-19. Review status: criteria provided, single submitter. Criteria: GeneDx Variant Classification Process June 2021. Collection method: clinical testing. Allele origin: germline. Affected: yes.
Comment: Not observed at significant frequency in large population cohorts (gnomAD); Frameshift variant predicted to result in protein truncation or nonsense mediated decay in a gene or region of a gene for which loss of function is not a well-established mechanism of disease; Has not been previously published as pathogenic or benign to our knowledge

NM_152703.5(SAMD9L):c.449_450delinsT (p.His150fs)

Gene: SAMD9L (sterile alpha motif domain containing 9 like; minus strand). Cytogenetic location: 7q21.2.
Variant type: Indel.
Coding change: c.449_450delinsT on transcript NM_152703.5 (MANE Select); coding-DNA positions 449 to 450, AC replaced by T.
Protein change: p.His150fs; shifts the reading frame from histidine 150.
Molecular consequence: frameshift variant.
Genome position (GRCh38, 1-based): chr7:93,135,522-93,135,523, GT replaced by A on the plus strand (AC replaced by T on the coding strand, the reverse complement: SAMD9L is on the minus strand). VCF-style: chr7-93135522-GT-A. GRCh37 (hg19) VCF-style: chr7-92764835-GT-A.
Other names: c.449_450delinsT, p.His150fs (NM_001303496.3, NM_001303497.3, NM_001303498.3 and 5 more transcripts); short protein forms H150fs.
Identifiers: ClinVar variation 2136228 (VCV002136228.1), dbSNP rs2535438029, ClinGen allele CA2580077857.